The following is an entry in ClinVar:

NM_001999.4(FBN2):c.6560G>C (p.Cys2187Ser)

Gene: FBN2 (fibrillin 2; minus strand). Cytogenetic location: 5q23.3.
Variant type: single nucleotide variant.
Coding change: c.6560G>C on transcript NM_001999.4 (MANE Select); coding-DNA position 6560, G replaced by C.
Protein change: p.Cys2187Ser; replaces cysteine 2187 with serine.
Molecular consequence: missense variant.
Genome position (GRCh38, 1-based): chr5:128,289,204, C>G on the plus strand (G>C on the coding strand, the complement: FBN2 is on the minus strand). VCF-style: chr5-128289204-C-G. GRCh37 (hg19) VCF-style: chr5-127624896-C-G.
Other names: short protein forms C2187S.
Identifiers: ClinVar variation 1328544 (VCV001328544.4), dbSNP rs1471927589, ClinGen allele CA360761220.

ClinVar aggregate classification (germline): Uncertain significance (1 of 4 stars; one submission).

Conditions:
Congenital contractural arachnodactyly (CCA). Also called: Beals-Hecht syndrome; BEALS SYNDROME; Arthrogryposis, distal, type 9. Identifiers: Orphanet 115, MedGen C0220668, MONDO:0007363, OMIM 121050.

Submission:

Illumina Laboratory Services, Illumina
Classification: Uncertain significance for Congenital contractural arachnodactyly. Last evaluated: 2021-05-21. Review status: criteria provided, single submitter. Criteria: ICSLVariantClassificationCriteria RUGD 01 April 2020. Collection method: clinical testing. Allele origin: unknown.
Comment: The FBN2 c.6560G>C (p.Cys2187Ser) variant is a missense variant. A literature search was performed for the gene, cDNA change, and amino acid change. No publications were found based on this search. This variant is not found in the Genome Aggregation Database version 2.1.1 or version 3.1.1 in a region of good sequence coverage, so the variant is presumed to be rare. Based on the limited evidence, the p.Cys2187Ser variant is classified as a variant of uncertain significance for congenital contractural arachnodactyly.